The following is an entry in ClinVar:

NM_000257.4(MYH7):c.5079G>A (p.Glu1693=)

Genes: MHRT (myosin heavy chain associated RNA transcript; plus strand), MYH7 (myosin heavy chain 7; minus strand), LOC126861897 (BRD4-independent group 4 enhancer GRCh37_chr14:23884455-23885654; plus strand). Cytogenetic location: 14q11.2.
Variant type: single nucleotide variant.
Coding change: c.5079G>A on transcript NM_000257.4 (MANE Select); coding-DNA position 5079, G replaced by A.
Protein change: p.Glu1693=; no amino-acid change (glutamic acid 1693 retained).
Molecular consequence: synonymous variant. On other transcripts: non-coding transcript variant (1).
Genome position (GRCh38, 1-based): chr14:23,415,707, C>T on the plus strand (G>A on the coding strand, the complement: MYH7 is on the minus strand). VCF-style: chr14-23415707-C-T. GRCh37 (hg19) VCF-style: chr14-23884916-C-T.
Identifiers: ClinVar variation 670121 (VCV000670121.12), dbSNP rs570732103, ClinGen allele CA045261.

ClinVar aggregate classification (germline): Likely benign. Review status: criteria provided, multiple submitters, no conflicts (2 of 4 stars). 4 submissions from 4 submitters: Likely benign (4). Last evaluated 2024-12-23.

Conditions:
Cardiomyopathy (CMYO). Also called: Cardiomyopathies. Identifiers: Orphanet 167848, MedGen C0878544, MONDO:0004994, HP:0001638. Inheritance: Various modes of inheritance.
Hypertrophic cardiomyopathy. Also called: HYPERTROPHIC MYOCARDIOPATHY. Identifiers: Orphanet 217569, MedGen C0007194, MeSH D002312, MONDO:0005045, HP:0001639.

Allele frequency attached by ClinVar (database versions not stated): gnomAD exomes below 0.00001; TOPMed below 0.00001; ExAC 0.00001; gnomAD 0.00001; 1000 Genomes Project 30x 0.00016; 1000 Genomes Project 0.00020.
gnomAD v4.1: 4 of 1,614,190 alleles (0.00025%); highest among the groups gnomAD compares: South Asian, 0.0022%; no homozygotes.

Submissions (4):

Labcorp Genetics (formerly Invitae), Labcorp
Classification: Likely benign for Hypertrophic cardiomyopathy. Last evaluated: 2024-12-23. Review status: criteria provided, single submitter. Criteria: Invitae Variant Classification Sherloc (09022015). Collection method: clinical testing. Allele origin: germline.

Women's Health and Genetics/Laboratory Corporation of America, LabCorp
Classification: Likely benign. Last evaluated: 2022-10-22. Review status: criteria provided, single submitter. Criteria: LabCorp Variant Classification Summary - May 2015. Collection method: clinical testing. Allele origin: germline.

Color Diagnostics, LLC DBA Color Health
Classification: Likely benign for Cardiomyopathy. Last evaluated: 2019-09-30. Review status: criteria provided, single submitter. Criteria: ACMG Guidelines, 2015. Collection method: clinical testing. Allele origin: germline.

GeneDx
Classification: Likely benign. Last evaluated: 2018-05-01. Review status: criteria provided, single submitter. Criteria: GeneDx Variant Classification (06012015). Collection method: clinical testing. Allele origin: germline. Affected: yes.
Comment: This variant is considered likely benign or benign based on one or more of the following criteria: it is a conservative change, it occurs at a poorly conserved position in the protein, it is predicted to be benign by multiple in silico algorithms, and/or has population frequency not consistent with disease.